The following is an entry in ClinVar:

NM_006258.4(PRKG1):c.1423A>G (p.Thr475Ala)

Gene: PRKG1 (protein kinase cGMP-dependent 1; plus strand). Cytogenetic location: 10q21.1.
Variant type: single nucleotide variant.
Coding change: c.1423A>G on transcript NM_006258.4 (MANE Select); coding-DNA position 1423, A replaced by G.
Protein change: p.Thr475Ala; replaces threonine 475 with alanine.
Molecular consequence: missense variant.
Genome position (GRCh38, 1-based): chr10:52,280,808, A>G. VCF-style: chr10-52280808-A-G. GRCh37 (hg19) VCF-style: chr10-54040568-A-G.
Other names: c.1378A>G, p.Thr460Ala (LRG_1135t2, NM_001098512.3); c.1423A>G, p.Thr475Ala (LRG_1135t1); short protein forms T460A, T475A.
Identifiers: ClinVar variation 222773 (VCV000222773.18), dbSNP rs140630065, ClinGen allele CA079570.
Genomic context (GRCh38, chr10:52,280,808, plus strand): 5'-TTAATTTTTTATACAATTTTCATTCCATTTCTGCACCTCAGAGGTTCGTTTGAAGATTCT[A>G]CAACCAGATTTTACACAGCATGTGTGGTAGAAGCTTTTGCCTATCTGCATTCCAAAGGAA-3'
Protein context (NP_006249.1, residues 465-485): LRDRGSFEDS[Thr475Ala]TRFYTACVVE

ClinVar aggregate classification (germline): Uncertain significance. Review status: criteria provided, multiple submitters, no conflicts (2 of 4 stars). 6 submissions from 6 submitters: Uncertain significance (6). Last evaluated 2026-09-18.

Conditions:
Aortic aneurysm, familial thoracic 8 (AAT8). Identifiers: MedGen C3809513, MONDO:0014187, OMIM 615436.
Familial thoracic aortic aneurysm and aortic dissection (TAAD). Also called: Thoracic aortic aneurysms and dissections. Identifiers: Orphanet 91387, MedGen C4707243, MONDO:0019625.

Allele frequency attached by ClinVar (database versions not stated): gnomAD exomes 0.00003 and 0.00004; TOPMed 0.00003; ESP Exome Variant Server 0.00008; gnomAD 0.00004; ExAC 0.00002.
gnomAD v4.1: 47 of 1,613,200 alleles (0.0029%); highest among the groups gnomAD compares: Non-Finnish European, 0.0037%; no homozygotes.

Submissions (6):

GeneDx
Classification: Uncertain significance. Last evaluated: 2026-09-18. Review status: criteria provided, single submitter. Criteria: GeneDx Variant Classification Process June 2021. Collection method: clinical testing. Allele origin: germline.
Comment: Has not been previously published as pathogenic or benign to our knowledge; In silico analysis supports that this missense variant has a deleterious effect on protein structure/function

Women's Health and Genetics/Laboratory Corporation of America, LabCorp
Classification: Uncertain significance. Last evaluated: 2026-03-16. Review status: criteria provided, single submitter. Criteria: LabCorp Variant Classification Summary - May 2015. Collection method: clinical testing. Allele origin: germline.
Comment: Variant summary: PRKG1 c.1423A>G (p.Thr475Ala) results in a non-conservative amino acid change in the encoded protein sequence. Algorithms developed to predict the effect of missense changes on protein structure and function are either unavailable or do not agree on the potential impact of this missense change. The variant allele was found at a frequency of 3.6e-05 in 250268 control chromosomes. The available data on variant occurrences in the general population are insufficient to allow any conclusion about variant significance. To our knowledge, no occurrence of c.1423A>G in individuals affected with PRKG1-related conditions and no experimental evidence demonstrating its impact on protein function have been reported. ClinVar contains an entry for this variant (Variation ID: 222773). Based on the evidence outlined above, the variant was classified as uncertain significance.

Labcorp Genetics (formerly Invitae), Labcorp
Classification: Uncertain significance for Aortic aneurysm, familial thoracic 8. Last evaluated: 2025-01-18. Review status: criteria provided, single submitter. Criteria: Invitae Variant Classification Sherloc (09022015). Collection method: clinical testing. Allele origin: germline.
Comment: This sequence change replaces threonine, which is neutral and polar, with alanine, which is neutral and non-polar, at codon 475 of the PRKG1 protein (p.Thr475Ala). This variant is present in population databases (rs140630065, gnomAD 0.009%). This variant has not been reported in the literature in individuals affected with PRKG1-related conditions. ClinVar contains an entry for this variant (Variation ID: 222773). An algorithm developed to predict the effect of missense changes on protein structure and function (PolyPhen-2) suggests that this variant¬†is likely to be tolerated. In summary, the available evidence is currently insufficient to determine the role of this variant in disease. Therefore, it has been classified as a Variant of Uncertain Significance.

Ambry Genetics
Classification: Uncertain significance for Familial thoracic aortic aneurysm and aortic dissection. Last evaluated: 2024-12-09. Review status: criteria provided, single submitter. Criteria: Ambry Variant Classification Scheme 2023. Collection method: clinical testing. Allele origin: germline.
Comment: The p.T475A variant (also known as c.1423A>G), located in coding exon 13 of the PRKG1 gene, results from an A to G substitution at nucleotide position 1423. The threonine at codon 475 is replaced by alanine, an amino acid with similar properties. This amino acid position is highly conserved in available vertebrate species. In addition, the in silico prediction for this alteration is inconclusive. Since supporting evidence is limited at this time, the clinical significance of this alteration remains unclear.

Blueprint Genetics
Classification: Uncertain significance. Last evaluated: 2024-11-25. Review status: criteria provided, single submitter. Criteria: ACMG Guidelines, 2015. Collection method: clinical testing. Allele origin: germline.

CHEO Genetics Diagnostic Laboratory, Children's Hospital of Eastern Ontario
Classification: Uncertain significance for Familial thoracic aortic aneurysm and aortic dissection. Last evaluated: 2023-06-02. Review status: criteria provided, single submitter. Criteria: ACMG Guidelines, 2015. Collection method: clinical testing. Allele origin: germline.